The following is an entry in ClinVar:

ClinVar aggregate classification (germline): Uncertain significance (1 of 4 stars; one submission).

Conditions:
Familial cold autoinflammatory syndrome 2 (FCAS2). Identifiers: Orphanet 247868, MedGen C2673198, MONDO:0012724, OMIM 611762.

Submission:

Labcorp Genetics (formerly Invitae), Labcorp
Classification: Uncertain significance for Familial cold autoinflammatory syndrome 2. Last evaluated: 2018-04-12. Review status: criteria provided, single submitter. Criteria: Invitae Variant Classification Sherloc (09022015). Collection method: clinical testing. Allele origin: germline.
Comment: In summary, the available evidence is currently insufficient to determine the role of this variant in disease. Therefore, it has been classified as a Variant of Uncertain Significance. Algorithms developed to predict the effect of missense changes on protein structure and function do not agree on the potential impact of this missense change (SIFT: "Deleterious"; PolyPhen-2: "Benign"; Align-GVGD: "Class C0"). This variant has not been reported in the literature in individuals with NLRP12-related disease. This variant is not present in population databases (ExAC no frequency). This sequence change replaces arginine with glycine at codon 508 of the NLRP12 protein (p.Arg508Gly). The arginine residue is weakly conserved and there is a moderate physicochemical difference between arginine and glycine.

NM_144687.4(NLRP12):c.1522A>G (p.Arg508Gly)

Gene: NLRP12 (NLR family pyrin domain containing 12; minus strand). Cytogenetic location: 19q13.42.
Variant type: single nucleotide variant.
Coding change: c.1522A>G on transcript NM_144687.4 (MANE Select); coding-DNA position 1522, A replaced by G.
Protein change: p.Arg508Gly; replaces arginine 508 with glycine.
Molecular consequence: missense variant.
Genome position (GRCh38, 1-based): chr19:53,810,137, T>C on the plus strand (A>G on the coding strand, the complement: NLRP12 is on the minus strand). VCF-style: chr19-53810137-T-C. GRCh37 (hg19) VCF-style: chr19-54313391-T-C.
Other names: c.1522A>G, p.Arg508Gly (NM_001277126.2, NM_001277129.1); short protein forms R508G.
Identifiers: ClinVar variation 574207 (VCV000574207.8), dbSNP rs576700970, ClinGen allele CA407413256.